The following is an entry in ClinVar:

ClinVar aggregate classification (germline): Uncertain significance. Review status: criteria provided, multiple submitters, no conflicts (2 of 4 stars). 2 submissions from 2 submitters: Uncertain significance (2). Last evaluated 2026-02-01.

Submissions (2):

Labcorp Genetics (formerly Invitae), Labcorp
Classification: Uncertain significance. Last evaluated: 2026-02-01. Review status: criteria provided, single submitter. Criteria: Invitae Variant Classification Sherloc (09022015). Collection method: clinical testing. Allele origin: germline.
Comment: This sequence change replaces proline, which is neutral and non-polar, with arginine, which is basic and polar, at codon 376 of the GATA5 protein (p.Pro376Arg). This variant is present in population databases (no rsID available, gnomAD 0.04%), and has an allele count higher than expected for a pathogenic variant. This variant has not been reported in the literature in individuals affected with GATA5-related conditions. ClinVar contains an entry for this variant (Variation ID: 1466837). An algorithm developed to predict the effect of missense changes on protein structure and function (PolyPhen-2) suggests that this variant is likely to be tolerated. In summary, the available evidence is currently insufficient to determine the role of this variant in disease. Therefore, it has been classified as a Variant of Uncertain Significance.

GeneDx
Classification: Uncertain significance. Last evaluated: 2024-07-26. Review status: criteria provided, single submitter. Criteria: GeneDx Variant Classification Process June 2021. Collection method: clinical testing. Allele origin: germline.
Comment: Has not been previously published as pathogenic or benign to our knowledge; In silico analysis indicates that this variant does not alter protein structure/function

NM_080473.5(GATA5):c.1127_1128delinsGG (p.Pro376Arg)

Gene: GATA5 (GATA binding protein 5; minus strand). Cytogenetic location: 20q13.33.
Variant type: Indel.
Coding change: c.1127_1128delinsGG on transcript NM_080473.5 (MANE Select); coding-DNA positions 1127 to 1128, CA replaced by GG.
Protein change: p.Pro376Arg; replaces proline 376 with arginine.
Molecular consequence: missense variant.
Genome position (GRCh38, 1-based): chr20:62,464,902-62,464,903, TG replaced by CC on the plus strand (CA replaced by GG on the coding strand, the reverse complement: GATA5 is on the minus strand). VCF-style: chr20-62464902-TG-CC. GRCh37 (hg19) VCF-style: chr20-61039958-TG-CC.
Other names: c.1127_1128delinsGG (NM_080473.4); short protein forms P376R.
Identifiers: ClinVar variation 1466837 (VCV001466837.8), dbSNP rs2146479361, ClinGen allele CA2573157259.